The following is an entry in ClinVar:

ClinVar aggregate classification (germline): Pathogenic. Review status: criteria provided, multiple submitters, no conflicts (2 of 4 stars). 3 submissions from 3 submitters: Pathogenic (3). Last evaluated 2024-08-14.

Conditions:
Autosomal dominant intellectual disability-craniofacial anomalies-cardiac defects syndrome (ARTHS). Also called: KAT6A syndrome; Arboleda-Tham syndrome; Mental retardation, autosomal dominant 32. Identifiers: Orphanet 457193, MedGen C4225396, MONDO:0014558, OMIM 616268.
KAT6A-related disorder. Also called: KAT6A-related condition.

Submissions (3):

GeneDx
Classification: Pathogenic. Last evaluated: 2024-08-14. Review status: criteria provided, single submitter. Criteria: GeneDx Variant Classification Process June 2021. Collection method: clinical testing. Allele origin: germline. Affected: yes.
Comment: Observed as heterozygous in a cohort of patients with neurodevelopmental disorders who underwent microarray and exome analysis as part of a retrospective study; however patient specific clinical details were not provided in this report (PMID: 36937954); Nonsense variant predicted to result in protein truncation or nonsense mediated decay in a gene for which loss-of-function is a known mechanism of disease; Not observed at significant frequency in large population cohorts (gnomAD); This variant is associated with the following publications: (PMID: 36937954)

Blueprint Genetics
Classification: Pathogenic for KAT6A-related disorders. Last evaluated: 2021-10-21. Review status: criteria provided, single submitter. Criteria: ACMG Guidelines, 2015. Collection method: clinical testing. Allele origin: germline. Affected: yes. Observed: 2 variant alleles.

Institute of Human Genetics, University of Leipzig Medical Center
Classification: Pathogenic for Autosomal dominant intellectual disability-craniofacial anomalies-cardiac defects syndrome. Last evaluated: 2020-09-09. Review status: criteria provided, single submitter. Criteria: ACMG Guidelines, 2015. Collection method: clinical testing. Allele origin: de novo. Affected: yes.
Comment: This variant was identified as de novo (maternity and paternity confirmed).

NM_006766.5(KAT6A):c.1405C>T (p.Arg469Ter)

Gene: KAT6A (lysine acetyltransferase 6A; minus strand). Cytogenetic location: 8p11.21.
Variant type: single nucleotide variant.
Coding change: c.1405C>T on transcript NM_006766.5 (MANE Select); coding-DNA position 1405, C replaced by T.
Protein change: p.Arg469Ter; replaces arginine 469 with a stop codon.
Molecular consequence: nonsense.
Genome position (GRCh38, 1-based): chr8:41,974,781, G>A on the plus strand (C>T on the coding strand, the complement: KAT6A is on the minus strand). VCF-style: chr8-41974781-G-A. GRCh37 (hg19) VCF-style: chr8-41832299-G-A.
Other names: c.1405C>T, p.Arg469Ter (NM_001305878.2); short protein forms R469*.
Identifiers: ClinVar variation 1285569 (VCV001285569.5), dbSNP rs2150884950, ClinGen allele CA371075417.